The following is an entry in ClinVar:

NM_000256.3(MYBPC3):c.2413+1del

Gene: MYBPC3 (myosin binding protein C3; minus strand). Cytogenetic location: 11p11.2.
Variant type: Deletion.
Coding change: c.2413+1del on transcript NM_000256.3 (MANE Select); the canonical splice donor site of the intron after coding-DNA position 2413, one base deleted (G; older notation c.2413+1delG).
Molecular consequence: splice donor variant.
Genome position (GRCh38, 1-based): chr11:47,337,689, C deleted on the plus strand (G on the coding strand, the reverse complement: MYBPC3 is on the minus strand); the first of 3 consecutive C bases (chr11:47,337,689-47,337,691); deleting any one gives the same sequence. VCF-style (leftmost placement, unchanged base first): chr11-47337688-AC-A. GRCh37 (hg19) VCF-style: chr11-47359239-AC-A.
Identifiers: ClinVar variation 3677107 (VCV003677107.2).

ClinVar aggregate classification (germline): Pathogenic (1 of 4 stars; one submission).

Conditions:
Hypertrophic cardiomyopathy. Also called: HYPERTROPHIC MYOCARDIOPATHY. Identifiers: Orphanet 217569, MedGen C0007194, MeSH D002312, MONDO:0005045, HP:0001639.

Submission:

Labcorp Genetics (formerly Invitae), Labcorp
Classification: Pathogenic for Hypertrophic cardiomyopathy. Last evaluated: 2024-02-14. Review status: criteria provided, single submitter. Criteria: Invitae Variant Classification Sherloc (09022015). Collection method: clinical testing. Allele origin: germline.
Comment: This sequence change creates a premature translational stop signal (p.Gly805Alafs*17) in the MYBPC3 gene. It is expected to result in an absent or disrupted protein product. Loss-of-function variants in MYBPC3 are known to be pathogenic (PMID: 19574547). This variant is not present in population databases (gnomAD no frequency). This variant has not been reported in the literature in individuals affected with MYBPC3-related conditions. This variant is also known as c.2413+1del. Algorithms developed to predict the effect of sequence changes on RNA splicing suggest that this variant may disrupt the consensus splice site. For these reasons, this variant has been classified as Pathogenic.

Literature cited by the submitters: PubMed 19574547.